The following is an entry in ClinVar:

ClinVar aggregate classification (germline): Uncertain significance (1 of 4 stars; one submission).

Submission:

GeneDx
Classification: Uncertain significance. Last evaluated: 2026-02-02. Review status: criteria provided, single submitter. Criteria: GeneDx Variant Classification Process June 2021. Collection method: clinical testing. Allele origin: germline.
Comment: Not observed at significant frequency in large population cohorts (gnomAD); Has not been previously published as pathogenic or benign to our knowledge; Located in a regulatory region; in the absence of functional studies, the actual effect of this sequence change is unknown

NM_006258.4(PRKG1):c.-4del

Gene: PRKG1 (protein kinase cGMP-dependent 1; plus strand). Cytogenetic location: 10q11.23.
Variant type: Deletion.
Coding change: c.-4del on transcript NM_006258.4 (MANE Select); 4 bases upstream of the start codon, one base deleted (G; older notation c.-4delG).
Molecular consequence: 5 prime UTR variant. On other transcripts: intron variant (1).
Genome position (GRCh38, 1-based): chr10:51,074,587, G deleted; the last of 2 consecutive G bases (chr10:51,074,586-51,074,587); deleting either gives the same sequence. VCF-style (leftmost placement, unchanged base first): chr10-51074585-AG-A. GRCh37 (hg19) VCF-style: chr10-52834345-AG-A.
Other names: c.-4del (NM_001374782.1); c.267-78577del (NM_001098512.3).
Identifiers: ClinVar variation 4976027 (VCV004976027.1).
Genomic context (GRCh38, chr10:51,074,585, plus strand): 5'-GAGAGGGGAGGAAGCCTCAAGACGCGGAGCAGCGGCAGGAAGGAGCCCCCGGCAGCCCGG[AG>A]GAGCATGGGCACCTTGCGGGATTTACAGTACGCGCTCCAGGAGAAGATCGAGGAGCTGAG-3'